The following is an entry in ClinVar:

NM_001127208.3(TET2):c.917A>G (p.Lys306Arg)

Genes: TET2 (tet methylcytosine dioxygenase 2; plus strand), TET2-AS1 (TET2 antisense RNA 1; minus strand). Cytogenetic location: 4q24.
Variant type: single nucleotide variant.
Coding change: c.917A>G on transcript NM_001127208.3 (MANE Select); coding-DNA position 917, A replaced by G.
Protein change: p.Lys306Arg; replaces lysine 306 with arginine.
Molecular consequence: missense variant.
Genome position (GRCh38, 1-based): chr4:105,234,859, A>G. VCF-style: chr4-105234859-A-G. GRCh37 (hg19) VCF-style: chr4-106156016-A-G.
Other names: c.917A>G, p.Lys306Arg (NM_017628.4); short protein forms K306R.
Identifiers: ClinVar variation 2363063 (VCV002363063.3), dbSNP rs779875977, ClinGen allele CA3031589.

ClinVar aggregate classification (germline): Uncertain significance (1 of 4 stars; one submission).

Allele frequency attached by ClinVar (database versions not stated): ExAC 0.00001; gnomAD exomes 0.00001; TOPMed 0.00002.
gnomAD v4.1: 5 of 1,614,094 alleles (0.00031%); highest among the groups gnomAD compares: Admixed American, 0.0083%; no homozygotes.

Submission:

Ambry Genetics
Classification: Uncertain significance. Last evaluated: 2024-11-22. Review status: criteria provided, single submitter. Criteria: Ambry Variant Classification Scheme 2023. Collection method: clinical testing. Allele origin: germline.
Comment: The p.K306R variant (also known as c.917A>G), located in coding exon 1 of the TET2 gene, results from an A to G substitution at nucleotide position 917. The lysine at codon 306 is replaced by arginine, an amino acid with highly similar properties. This amino acid position is conserved. In addition, this alteration is predicted to be tolerated by in silico analysis. Based on the available evidence, the clinical significance of this variant remains unclear.